The following is an entry in ClinVar:

ClinVar aggregate classification (germline): Uncertain significance (1 of 4 stars; one submission).

Conditions:
Inborn genetic diseases. Identifiers: MedGen C0950123, MeSH D030342.

Allele frequency attached by ClinVar (database versions not stated): gnomAD exomes below 0.00001; TOPMed below 0.00001.
gnomAD v4.1: 1 of 1,613,124 alleles (0.000062%); highest among the groups gnomAD compares: Non-Finnish European, 0.000085%; no homozygotes.

Submission:

Ambry Genetics
Classification: Uncertain significance for Inborn genetic diseases. Last evaluated: 2020-05-01. Review status: criteria provided, single submitter. Criteria: Ambry Variant Classification Scheme 2023. Collection method: clinical testing. Allele origin: germline.
Comment: The p.G1210E variant (also known as c.3629G>A), located in coding exon 21 of the SCN11A gene, results from a G to A substitution at nucleotide position 3629. The glycine at codon 1210 is replaced by glutamic acid, an amino acid with similar properties. This amino acid position is poorly conserved in available vertebrate species. In addition, this alteration is predicted to be tolerated by in silico analysis. Since supporting evidence is limited at this time, the clinical significance of this alteration remains unclear.

NM_001349253.2(SCN11A):c.3629G>A (p.Gly1210Glu)

Genes: SCN11A (sodium voltage-gated channel alpha subunit 11; minus strand), LOC126806652 (CDK7 strongly-dependent group 2 enhancer GRCh37_chr3:38912374-38913573; plus strand). Cytogenetic location: 3p22.2.
Variant type: single nucleotide variant.
Coding change: c.3629G>A on transcript NM_001349253.2 (MANE Select); coding-DNA position 3629, G replaced by A.
Protein change: p.Gly1210Glu; replaces glycine 1210 with glutamic acid.
Molecular consequence: missense variant.
Genome position (GRCh38, 1-based): chr3:38,871,575, C>T on the plus strand (G>A on the coding strand, the complement: SCN11A is on the minus strand). VCF-style: chr3-38871575-C-T. GRCh37 (hg19) VCF-style: chr3-38913066-C-T.
Other names: c.3629G>A, p.Gly1210Glu (NM_014139.3); short protein forms G1210E.
Identifiers: ClinVar variation 1733382 (VCV001733382.2), dbSNP rs2065126612, ClinGen allele CA352170719.